The following is an entry in ClinVar:

ClinVar aggregate classification (germline): Pathogenic/Likely pathogenic. Review status: criteria provided, multiple submitters, no conflicts (2 of 4 stars). 2 submissions from 2 submitters: Pathogenic (1); Likely pathogenic (1). Last evaluated 2022-05-19.

Conditions:
Cystic fibrosis (CF). Also called: MUCOVISCIDOSIS. Identifiers: Orphanet 586, MedGen C0010674, MONDO:0009061, OMIM 219700. Disease mechanism: loss of function.

Submissions (2):

Ambry Genetics
Classification: Pathogenic for Cystic fibrosis. Last evaluated: 2022-05-19. Review status: criteria provided, single submitter. Criteria: Ambry Variant Classification Scheme 2023. Collection method: clinical testing. Allele origin: germline.
Comment: The c.772delA pathogenic mutation, located in coding exon 7 of the CFTR gene, results from a deletion of one nucleotide at nucleotide position 772, causing a translational frameshift with a predicted alternate stop codon (p.R258Dfs*3). This variant is considered to be rare based on population cohorts in the Genome Aggregation Database (gnomAD). This alteration is expected to result in loss of function by premature protein truncation or nonsense-mediated mRNA decay. As such, this alteration is interpreted as a disease-causing mutation.

Myriad Genetics, Inc.
Classification: Likely pathogenic for Cystic fibrosis. Last evaluated: 2022-04-16. Review status: criteria provided, single submitter. Criteria: Myriad Women's Health Autosomal Recessive and X-Linked Classification Criteria (2021). Collection method: clinical testing. Allele origin: unknown.
Comment: NM_000492.3(CFTR):c.772delA(R258Dfs*3) is expected to be pathogenic in the context of cystic fibrosis. This variant is predicted to lead to an abnormal or absent protein product due to the creation of a premature termination codon in CFTR, a gene where loss-of-function variants are known to be pathogenic. Please note: this variant was assessed in the context of healthy population screening.

NM_000492.4(CFTR):c.772del (p.Arg258fs)

Gene: CFTR (CF transmembrane conductance regulator; plus strand). Cytogenetic location: 7q31.2.
Variant type: Deletion.
Coding change: c.772del on transcript NM_000492.4 (MANE Select); coding-DNA position 772, one base deleted (A; older notation c.772delA).
Protein change: p.Arg258fs; shifts the reading frame from arginine 258.
Molecular consequence: frameshift variant.
Genome position (GRCh38, 1-based): chr7:117,536,576, A deleted; the last of 3 consecutive A bases (chr7:117,536,574-117,536,576); deleting any one gives the same sequence. VCF-style (leftmost placement, unchanged base first): chr7-117536573-GA-G. GRCh37 (hg19) VCF-style: chr7-117176627-GA-G.
Other names: short protein forms R258fs.
Identifiers: ClinVar variation 1725929 (VCV001725929.4), dbSNP rs2485020207, ClinGen allele CA2580076376.